The following is an entry in ClinVar:

NM_000283.4(PDE6B):c.423C>T (p.His141=)

Gene: PDE6B (phosphodiesterase 6B; plus strand). Cytogenetic location: 4p16.3.
Variant type: single nucleotide variant.
Coding change: c.423C>T on transcript NM_000283.4 (MANE Select); coding-DNA position 423, C replaced by T.
Protein change: p.His141=; no amino-acid change (histidine 141 retained).
Molecular consequence: synonymous variant.
Genome position (GRCh38, 1-based): chr4:626,049, C>T. VCF-style: chr4-626049-C-T. GRCh37 (hg19) VCF-style: chr4-619838-C-T.
Other names: c.423C>T, p.His141= (NM_001145291.2).
Identifiers: ClinVar variation 1110653 (VCV001110653.17), dbSNP rs148575945, ClinGen allele CA2793941.

ClinVar aggregate classification (germline): Likely benign. Review status: criteria provided, multiple submitters, no conflicts (2 of 4 stars). 3 submissions from 3 submitters: Likely benign (3). Last evaluated 2025-11-27.

Allele frequency attached by ClinVar (database versions not stated): gnomAD exomes 0.00002 and 0.00006; ExAC 0.00013; gnomAD 0.00014 and 0.00016; 1000 Genomes Project 30x 0.00016; 1000 Genomes Project 0.00020; TOPMed 0.00027; ESP Exome Variant Server 0.00039.
gnomAD v4.1: 55 of 1,596,066 alleles (0.0034%); highest among the groups gnomAD compares: African/African-American, 0.056%; no homozygotes.

Submissions (3):

Labcorp Genetics (formerly Invitae), Labcorp
Classification: Likely benign. Last evaluated: 2025-11-27. Review status: criteria provided, single submitter. Criteria: Invitae Variant Classification Sherloc (09022015). Collection method: clinical testing. Allele origin: germline.

CeGaT Center for Human Genetics Tuebingen
Classification: Likely benign. Last evaluated: 2025-03-01. Review status: criteria provided, single submitter. Criteria: CeGaT Center For Human Genetics Tuebingen Variant Classification Criteria Version 2. Collection method: clinical testing. Allele origin: germline. Affected: yes. Observed: 1 variant allele.
Comment: PDE6B: BP4, BP7

Blueprint Genetics
Classification: Likely benign. Last evaluated: 2023-03-20. Review status: criteria provided, single submitter. Criteria: ACMG Guidelines, 2015. Collection method: clinical testing. Allele origin: germline.